The following is an entry in ClinVar:

ClinVar aggregate classification (germline): Likely benign. Review status: criteria provided, multiple submitters, no conflicts (2 of 4 stars). 3 submissions from 3 submitters: Likely benign (3). Last evaluated 2026-03-01.

Conditions:
Developmental and epileptic encephalopathy 94 (DEE94). Also called: Epileptic encephalopathy, childhood-onset; CHD2-Related Neurodevelopmental Disorders. Identifiers: Orphanet 1942, Orphanet 2382, MedGen C3809278, MONDO:0014150, OMIM 615369.

Allele frequency attached by ClinVar (database versions not stated): TOPMed 0.00006.
gnomAD v4.1: 86 of 1,613,932 alleles (0.0053%); highest among the groups gnomAD compares: Non-Finnish European, 0.007%; no homozygotes.

Submissions (3):

CeGaT Center for Human Genetics Tuebingen
Classification: Likely benign. Last evaluated: 2026-03-01. Review status: criteria provided, single submitter. Criteria: CeGaT Center For Human Genetics Tuebingen Variant Classification Criteria Version 2. Collection method: clinical testing. Allele origin: germline. Affected: yes. Observed: 1 variant allele.
Comment: CHD2: BP4, BS2

Labcorp Genetics (formerly Invitae), Labcorp
Classification: Likely benign for Developmental and epileptic encephalopathy 94. Last evaluated: 2025-11-28. Review status: criteria provided, single submitter. Criteria: Invitae Variant Classification Sherloc (09022015). Collection method: clinical testing. Allele origin: germline.

GeneDx
Classification: Likely benign. Last evaluated: 2017-12-13. Review status: criteria provided, single submitter. Criteria: GeneDx Variant Classification (06012015). Collection method: clinical testing. Allele origin: germline. Affected: yes.
Comment: This variant is considered likely benign or benign based on one or more of the following criteria: it is a conservative change, it occurs at a poorly conserved position in the protein, it is predicted to be benign by multiple in silico algorithms, and/or has population frequency not consistent with disease.

NM_001271.4(CHD2):c.4721G>A (p.Gly1574Glu)

Gene: CHD2 (chromodomain helicase DNA binding protein 2; plus strand). Cytogenetic location: 15q26.1.
Variant type: single nucleotide variant.
Coding change: c.4721G>A on transcript NM_001271.4 (MANE Select); coding-DNA position 4721, G replaced by A.
Protein change: p.Gly1574Glu; replaces glycine 1574 with glutamic acid.
Molecular consequence: missense variant.
Genome position (GRCh38, 1-based): chr15:93,014,724, G>A. VCF-style: chr15-93014724-G-A. GRCh37 (hg19) VCF-style: chr15-93557954-G-A.
Other names: short protein forms G1574E.
Identifiers: ClinVar variation 513881 (VCV000513881.16), dbSNP rs56227200, ClinGen allele CA7748546.
Genomic context (GRCh38, chr15:93,014,724, plus strand): 5'-TTGAGCTTCTTTGGTTTCCTTTTACTCTTTAGGAGCAAAAGAAGAAAGACGACGTGACTG[G>A]GGGTAAGAAACCATTTCGTCCAGAGGCCTCAGGCTCCAGCCGGGACTCTCTGATATCTCA-3'
Protein context (NP_001262.3, residues 1564-1584): EEQKKKDDVT[Gly1574Glu]GKKPFRPEAS